The following is an entry in ClinVar:

ClinVar aggregate classification (germline): Likely pathogenic (0 of 4 stars; one submission).

Conditions:
von Willebrand disease type 3 (VWD3). Also called: Type 3 Von Willebrand's disease; Type 3 VWD; Von Willebrand disease, severe form; V WD3; VON WILLEBRAND DISEASE, TYPE III. Identifiers: Orphanet 166096, MedGen C1264041, MONDO:0010191, OMIM 277480.

Allele frequency attached by ClinVar (database versions not stated): gnomAD exomes below 0.00001.
gnomAD v4.1: 1 of 1,614,174 alleles (0.000062%); highest among the groups gnomAD compares: Non-Finnish European, 0.000085%; no homozygotes.

Submission:

Angelo Bianchi Bonomi Hemophilia and Thrombosis Center, Fondazione IRCCS Ca Granda Ospedale Maggiore Policlinico
Classification: Likely pathogenic for von Willebrand disease type 3. Last evaluated: 2020-11-01. Review status: no assertion criteria provided. Collection method: clinical testing. Allele origin: germline. Affected: yes. Study: Type 3 Von Willebrand International Registries Inhibitor Prospective Study (3WINTERS-IPS).
Comment: ClinGen Pathogenicity Calculator

NM_000552.5(VWF):c.6847T>C (p.Cys2283Arg)

Gene: VWF (von Willebrand factor; minus strand). Cytogenetic location: 12p13.31.
Variant type: single nucleotide variant.
Coding change: c.6847T>C on transcript NM_000552.5 (MANE Select); coding-DNA position 6847, T replaced by C.
Protein change: p.Cys2283Arg; replaces cysteine 2283 with arginine.
Molecular consequence: missense variant.
Genome position (GRCh38, 1-based): chr12:5,985,617, A>G on the plus strand (T>C on the coding strand, the complement: VWF is on the minus strand). VCF-style: chr12-5985617-A-G. GRCh37 (hg19) VCF-style: chr12-6094783-A-G.
Other names: short protein forms C2283R.
Identifiers: ClinVar variation 1065288 (VCV001065288.3), dbSNP rs2136376158, ClinGen allele CA383488579.
Genomic context (GRCh38, chr12:5,985,617, plus strand): 5'-TCTCACCTTTGGCCGTGGGGCAGGGCTGCGTTGTGCAGTTGACCTTCCGCCCGCTGAGGC[A>G]TGTGCAGATCTGACAGGGCTGGTGGTCCGGGACCCAGGCTTCCAGGAACTGAGGGCAAAG-3'
Protein context (NP_000543.3, residues 2273-2293): PDHQPCQICT[Cys2283Arg]LSGRKVNCTT